The following is an entry in ClinVar:

ClinVar aggregate classification (germline): Benign (1 of 4 stars; one submission).

Conditions:
Sialuria. Also called: SIALURIA, FRENCH TYPE; Sialic Acid Storage Disease. Identifiers: Orphanet 3166, MedGen C0342853, MONDO:0010028, OMIM 269921.

Allele frequency attached by ClinVar (database versions not stated): 1000 Genomes Project 30x 0.00047; 1000 Genomes Project 0.00060; gnomAD 0.00076 and 0.00080; TOPMed 0.00091.

Submission:

Illumina Laboratory Services, Illumina
Classification: Benign for Sialuria. Last evaluated: 2018-01-12. Review status: criteria provided, single submitter. Criteria: ICSL Variant Classification Criteria 13 December 2019. Collection method: clinical testing. Allele origin: germline.
Comment: This variant was observed in the ICSL laboratory as part of a predisposition screen in an ostensibly healthy population. It had not been previously curated by ICSL or reported in the Human Gene Mutation Database (HGMD: prior to June 1st, 2018), and was therefore a candidate for classification through an automated scoring system. Utilizing variant allele frequency, disease prevalence and penetrance estimates, and inheritance mode, an automated score was calculated to assess if this variant is too frequent to cause the disease. Based on the score and internal cut-off values, a variant classified as benign is not then subjected to further curation. The score for this variant resulted in a classification of benign for this disease.

NM_005476.7(GNE):c.*1635G>A

Gene: GNE (glucosamine (UDP-N-acetyl)-2-epimerase/N-acetylmannosamine kinase; minus strand). Cytogenetic location: 9p13.3.
Variant type: single nucleotide variant.
Coding change: c.*1635G>A on transcript NM_005476.7 (MANE Select); 1635 bases downstream of the stop codon, G replaced by A.
Molecular consequence: 3 prime UTR variant.
Genome position (GRCh38, 1-based): chr9:36,215,730, C>T on the plus strand (G>A on the coding strand, the complement: GNE is on the minus strand). VCF-style: chr9-36215730-C-T. GRCh37 (hg19) VCF-style: chr9-36215727-C-T.
Other names: c.*1635G>A (NM_001128227.3, NM_001190383.3, NM_001190384.3 and 3 more transcripts).
Identifiers: ClinVar variation 366814 (VCV000366814.6), dbSNP rs190727651, ClinGen allele CA10633656.
Genomic context (GRCh38, chr9:36,215,730, plus strand): 5'-CCTAGTTCAGAGCCTGGCACACAGTAGGCACTTAATAAGTGGTGGCAGTTAGTATTTCTT[C>T]CAAGTTAACAATTCATAGCCAGAACTTTGGCTTTTGTATTTTGACACCAATGAAAACACG-3'